The following is an entry in ClinVar:

NM_000637.5(GSR):c.401G>A (p.Cys134Tyr)

Gene: GSR (glutathione-disulfide reductase; minus strand). Cytogenetic location: 8p12.
Variant type: single nucleotide variant.
Coding change: c.401G>A on transcript NM_000637.5 (MANE Select); coding-DNA position 401, G replaced by A.
Protein change: p.Cys134Tyr; replaces cysteine 134 with tyrosine.
Molecular consequence: missense variant.
Genome position (GRCh38, 1-based): chr8:30,709,835, C>T on the plus strand (G>A on the coding strand, the complement: GSR is on the minus strand). VCF-style: chr8-30709835-C-T. GRCh37 (hg19) VCF-style: chr8-30567352-C-T.
Other names: c.401G>A, p.Cys134Tyr (NM_001195102.3, NM_001195103.3, NM_001195104.3); short protein forms C134Y.
Identifiers: ClinVar variation 4697684 (VCV004697684.1).
Genomic context (GRCh38, chr8:30,709,835, plus strand): 5'-TACACTTGGAAACTGAACCCTCTGAGTGTTGACACTTACCGCCAATTGAATTTACCCTCA[C>T]AACTTGGAAAGCCATAATCAGCATGATCATGCATGAATTCAGAGTGGACAGCTGTGTTCC-3'
Protein context (NP_000628.2, residues 124-144): HDHADYGFPS[Cys134Tyr]EGKFNWRVIK

ClinVar aggregate classification (germline): Uncertain significance (1 of 4 stars; one submission).

Submission:

Labcorp Genetics (formerly Invitae), Labcorp
Classification: Uncertain significance. Last evaluated: 2025-04-17. Review status: criteria provided, single submitter. Criteria: Invitae Variant Classification Sherloc (09022015). Collection method: clinical testing. Allele origin: germline.
Comment: This sequence change replaces cysteine, which is neutral and slightly polar, with tyrosine, which is neutral and polar, at codon 134 of the GSR protein (p.Cys134Tyr). This variant is not present in population databases (gnomAD no frequency). This variant has not been reported in the literature in individuals affected with GSR-related conditions. Invitae Evidence Modeling of protein sequence and biophysical properties (such as structural, functional, and spatial information, amino acid conservation, physicochemical variation, residue mobility, and thermodynamic stability) indicates that this missense variant is not expected to disrupt GSR protein function with a negative predictive value of 80%. In summary, the available evidence is currently insufficient to determine the role of this variant in disease. Therefore, it has been classified as a Variant of Uncertain Significance.